The following is an entry in ClinVar:

ClinVar aggregate classification (germline): Uncertain significance (1 of 4 stars; one submission).

gnomAD v4.1: 2 of 1,613,682 alleles (0.00012%); highest among the groups gnomAD compares: Non-Finnish European, 0.00017%; no homozygotes.

Submission:

Women's Health and Genetics/Laboratory Corporation of America, LabCorp
Classification: Uncertain significance. Last evaluated: 2025-06-20. Review status: criteria provided, single submitter. Criteria: LabCorp Variant Classification Summary - May 2015. Collection method: clinical testing. Allele origin: germline.
Comment: Variant summary: NBAS c.4549A>G (p.Lys1517Glu) results in a conservative amino acid change in the encoded protein sequence. Algorithms developed to predict the effect of missense changes on protein structure and function are either unavailable or do not agree on the potential impact of this missense change. The variant was absent in 251124 control chromosomes (gnomAD). The available data on variant occurrences in the general population are insufficient to allow any conclusion about variant significance. c.4549A>G has been observed in one individual affected with Hemophagocytic lymphohistiocytosis (Bi_2022). These data do not allow any conclusion about variant significance. To our knowledge, no experimental evidence demonstrating an impact on protein function has been reported. The following publications have been ascertained in the context of this evaluation (PMID: 35902954, 36843433). No submitters have cited clinical-significance assessments for this variant to ClinVar. Based on the evidence outlined above, the variant was classified as uncertain significance.

Literature cited by the submitters: PubMed 35902954; PubMed 36843433.

NM_015909.4(NBAS):c.4549A>G (p.Lys1517Glu)

Gene: NBAS (NBAS subunit of NRZ tethering complex; minus strand). Cytogenetic location: 2p24.3.
Variant type: single nucleotide variant.
Coding change: c.4549A>G on transcript NM_015909.4 (MANE Select); coding-DNA position 4549, A replaced by G.
Protein change: p.Lys1517Glu; replaces lysine 1517 with glutamic acid.
Molecular consequence: missense variant. On other transcripts: non-coding transcript variant (1).
Genome position (GRCh38, 1-based): chr2:15,327,783, T>C on the plus strand (A>G on the coding strand, the complement: NBAS is on the minus strand). VCF-style: chr2-15327783-T-C. GRCh37 (hg19) VCF-style: chr2-15467907-T-C.
Other names: short protein forms K1517E.
Identifiers: ClinVar variation 3907628 (VCV003907628.1).